The following is an entry in ClinVar:

ClinVar aggregate classification (germline): Uncertain significance (1 of 4 stars; one submission).

Submission:

Labcorp Genetics (formerly Invitae), Labcorp
Classification: Uncertain significance. Last evaluated: 2021-03-18. Review status: criteria provided, single submitter. Criteria: Invitae Variant Classification Sherloc (09022015). Collection method: clinical testing. Allele origin: germline.
Comment: This sequence change replaces glutamic acid with lysine at codon 34 of the SAMD9 protein (p.Glu34Lys). The glutamic acid residue is moderately conserved and there is a small physicochemical difference between glutamic acid and lysine. In summary, the available evidence is currently insufficient to determine the role of this variant in disease. Therefore, it has been classified as a Variant of Uncertain Significance. Algorithms developed to predict the effect of missense changes on protein structure and function output the following: SIFT: "Tolerated"; PolyPhen-2: "Benign"; Align-GVGD: "Class C0". The lysine amino acid residue is found in multiple mammalian species, suggesting that this missense change does not adversely affect protein function. These predictions have not been confirmed by published functional studies and their clinical significance is uncertain. This variant has not been reported in the literature in individuals with SAMD9-related conditions. This variant is not present in population databases (ExAC no frequency).

NM_017654.4(SAMD9):c.100G>A (p.Glu34Lys)

Gene: SAMD9 (sterile alpha motif domain containing 9; minus strand). Cytogenetic location: 7q21.2.
Variant type: single nucleotide variant.
Coding change: c.100G>A on transcript NM_017654.4 (MANE Select); coding-DNA position 100, G replaced by A.
Protein change: p.Glu34Lys; replaces glutamic acid 34 with lysine.
Molecular consequence: missense variant.
Genome position (GRCh38, 1-based): chr7:93,105,998, C>T on the plus strand (G>A on the coding strand, the complement: SAMD9 is on the minus strand). VCF-style: chr7-93105998-C-T. GRCh37 (hg19) VCF-style: chr7-92735311-C-T.
Other names: c.100G>A, p.Glu34Lys (NM_001193307.2); short protein forms E34K.
Identifiers: ClinVar variation 1351128 (VCV001351128.8), dbSNP rs2116423681, ClinGen allele CA368206182.